The following is an entry in ClinVar:

NM_003482.4(KMT2D):c.2502C>T (p.Ser834=)

Gene: KMT2D (lysine methyltransferase 2D; minus strand). Cytogenetic location: 12q13.12.
Variant type: single nucleotide variant.
Coding change: c.2502C>T on transcript NM_003482.4 (MANE Select); coding-DNA position 2502, C replaced by T.
Protein change: p.Ser834=; no amino-acid change (serine 834 retained).
Molecular consequence: synonymous variant.
Genome position (GRCh38, 1-based): chr12:49,051,181, G>A on the plus strand (C>T on the coding strand, the complement: KMT2D is on the minus strand). VCF-style: chr12-49051181-G-A. GRCh37 (hg19) VCF-style: chr12-49444964-G-A.
Other names: c.2502C>T (NM_003482.3).
Identifiers: ClinVar variation 1133453 (VCV001133453.10), dbSNP rs1408556727, ClinGen allele CA479714305.

ClinVar aggregate classification (germline): Likely benign. Review status: criteria provided, single submitter (1 of 4 stars). 2 submissions from 2 submitters: Likely benign (1). 1 of the submissions does not count toward it. Last evaluated 2025-10-22.

Conditions:
KMT2D-related disorder. Also called: KMT2D-Related Disorders.
Kabuki syndrome. Also called: Kabuki make-up syndrome; NIIKAWA-KUROKI SYNDROME. Identifiers: Orphanet 2322, MedGen C0796004, MONDO:0016512.

Allele frequency attached by ClinVar (database versions not stated): gnomAD exomes 0.00001; TOPMed 0.00001.

Submissions (2):

Labcorp Genetics (formerly Invitae), Labcorp
Classification: Likely benign for Kabuki syndrome. Last evaluated: 2025-10-22. Review status: criteria provided, single submitter. Criteria: Invitae Variant Classification Sherloc (09022015). Collection method: clinical testing. Allele origin: germline.

PreventionGenetics, part of Exact Sciences
Classification: Likely benign for KMT2D-related condition. Last evaluated: 2024-06-27. Review status: no assertion criteria provided. Collection method: clinical testing. Allele origin: germline. Not counted in ClinVar's aggregate classification.
Comment: This variant is classified as likely benign based on ACMG/AMP sequence variant interpretation guidelines (Richards et al. 2015 PMID: 25741868, with internal and published modifications).